The following is an entry in ClinVar:

ClinVar aggregate classification (germline): Uncertain significance (1 of 4 stars; one submission).

Conditions:
Pelizaeus-Merzbacher disease. Also called: Pelizeaus-Merzbacher spectrum disorder; Sudanophilic leukodystrophy; LEUKODYSTROPHY, HYPOMYELINATING, 1; Pelizaeus-Merzbacher spectrum disorder; Pelizaeus-Merzbacher Disease (PMD). Identifiers: Orphanet 702, MedGen C0205711, MONDO:0010714, OMIM 312080, HP:0003269.

Allele frequency attached by ClinVar (database versions not stated): gnomAD exomes below 0.00001.
gnomAD v4.1: 2 of 1,211,129 alleles (0.00017%); highest among the groups gnomAD compares: Non-Finnish European, 0.00011%; no homozygotes.

Submissions (2):

Neuberg Centre For Genomic Medicine, NCGM
Classification: Uncertain significance for Pelizaeus-Merzbacher disease. Review status: criteria provided, single submitter. Criteria: ACMG Guidelines, 2015. Collection method: clinical testing. Allele origin: germline. Inheritance: X-linked inheritance. Affected: yes.
Comment: The missense variant in c.410G>A (p.Arg137Gln) in PLP1 gene has not been reported previously as a pathogenic variant nor as a benign variant, to our knowledge. Another variant Arg137Gly occurring at the same amino acid position has been reported as Pathogenic. The p.Arg137Gln variant is novel (not in any individuals) in gnomAD Exomes and 1000 Genomes. The amino acid Arg at position 137 is changed to a Gln changing protein sequence and it might alter its composition and physico-chemical properties. The amino acid change p.Arg137Gln in PLP1 is predicted as conserved by GERP++ and PhyloP across 100 vertebrates.For these reasons, this variant has been classified as Uncertain Significance.

Dr. Peter K. Rogan Lab, Western University
No classification provided (evidence only). Condition: Thyroid cancer, nonmedullary, 1. Review status: no classification provided. Collection method: in vitro. Allele origin: not applicable. Functional consequence: retained intron. Not counted in ClinVar's aggregate classification.

NM_000533.5(PLP1):c.410G>A (p.Arg137Gln)

Genes: PLP1 (proteolipid protein 1; plus strand), RAB9B (RAB9B, member RAS oncogene family; minus strand). Cytogenetic location: Xq22.2.
Variant type: single nucleotide variant.
Coding change: c.410G>A on transcript NM_000533.5 (MANE Select); coding-DNA position 410, G replaced by A.
Protein change: p.Arg137Gln; replaces arginine 137 with glutamine.
Molecular consequence: missense variant. On other transcripts: intron variant (1).
Genome position (GRCh38, 1-based): chrX:103,786,683, G>A. VCF-style: chrX-103786683-G-A. GRCh37 (hg19) VCF-style: chrX-103041612-G-A.
Other names: NC_000023.10:g.103041612G>A; c.410G>A, p.Arg137Gln (NM_001128834.3); c.245G>A, p.Arg82Gln (NM_001305004.1); c.348+62G>A (NM_199478.3); short protein forms R82Q, R137Q.
Identifiers: ClinVar variation 2585529 (VCV002585529.2), dbSNP rs1602382987, ClinGen allele CA414102878.